The following is an entry in ClinVar:

NM_001267550.2(TTN):c.37202-8C>A

Gene: TTN (titin; minus strand). Cytogenetic location: 2q31.2.
Variant type: single nucleotide variant.
Coding change: c.37202-8C>A on transcript NM_001267550.2 (MANE Select); 8 bases into the intron before coding-DNA position 37202, C replaced by A.
Molecular consequence: intron variant.
Genome position (GRCh38, 1-based): chr2:178,661,850, G>T on the plus strand (C>A on the coding strand, the complement: TTN is on the minus strand). VCF-style: chr2-178661850-G-T. GRCh37 (hg19) VCF-style: chr2-179526577-G-T.
Other names: c.13283-19533C>A (NM_003319.4); c.13859-19533C>A (NM_133437.4); c.13658-19533C>A (NM_133432.3); c.31573+1116C>A (NM_133378.4); c.34354+1116C>A (NM_001256850.1).
Identifiers: ClinVar variation 2651658 (VCV002651658.24), dbSNP rs2064805892, ClinGen allele CA1039714804.

ClinVar aggregate classification (germline): Likely benign (1 of 4 stars; one submission).

Submission:

CeGaT Center for Human Genetics Tuebingen
Classification: Likely benign. Last evaluated: 2023-04-01. Review status: criteria provided, single submitter. Criteria: CeGaT Center For Human Genetics Tuebingen Variant Classification Criteria Version 2. Collection method: clinical testing. Allele origin: germline. Affected: yes. Observed: 1 variant allele.
Comment: TTN: BP4